The following is an entry in ClinVar:

ClinVar aggregate classification (germline): Uncertain significance (1 of 4 stars; one submission).

Conditions:
Familial temporal lobe epilepsy 7. Identifiers: Orphanet 101046, MedGen C4225327, MONDO:0014639, OMIM 616436.
Norman-Roberts syndrome (LIS2). Also called: Lissencephaly 2 (Norman-Roberts type). Identifiers: Orphanet 89844, MedGen C0796089, MONDO:0009760, OMIM 257320.

Allele frequency attached by ClinVar (database versions not stated): gnomAD exomes below 0.00001.
gnomAD v4.1: 1 of 1,592,546 alleles (0.000063%); highest among the groups gnomAD compares: Non-Finnish European, 0.000086%; no homozygotes.

Submission:

Labcorp Genetics (formerly Invitae), Labcorp
Classification: Uncertain significance for Familial temporal lobe epilepsy 7; Norman-Roberts syndrome. Last evaluated: 2020-10-01. Review status: criteria provided, single submitter. Criteria: Invitae Variant Classification Sherloc (09022015). Collection method: clinical testing. Allele origin: germline.
Comment: In summary, the available evidence is currently insufficient to determine the role of this variant in disease. Therefore, it has been classified as a Variant of Uncertain Significance. Algorithms developed to predict the effect of missense changes on protein structure and function are either unavailable or do not agree on the potential impact of this missense change (SIFT: "Deleterious"; PolyPhen-2: "Benign"; Align-GVGD: "Class C0"). This variant has not been reported in the literature in individuals with RELN-related conditions. This variant is not present in population databases (ExAC no frequency). This sequence change replaces threonine with isoleucine at codon 258 of the RELN protein (p.Thr258Ile). The threonine residue is highly conserved and there is a moderate physicochemical difference between threonine and isoleucine.

NM_005045.4(RELN):c.773C>T (p.Thr258Ile)

Gene: RELN (reelin; minus strand). Cytogenetic location: 7q22.1.
Variant type: single nucleotide variant.
Coding change: c.773C>T on transcript NM_005045.4 (MANE Select); coding-DNA position 773, C replaced by T.
Protein change: p.Thr258Ile; replaces threonine 258 with isoleucine.
Molecular consequence: missense variant.
Genome position (GRCh38, 1-based): chr7:103,723,172, G>A on the plus strand (C>T on the coding strand, the complement: RELN is on the minus strand). VCF-style: chr7-103723172-G-A. GRCh37 (hg19) VCF-style: chr7-103363619-G-A.
Other names: c.773C>T, p.Thr258Ile (NM_173054.3); short protein forms T258I.
Identifiers: ClinVar variation 1014725 (VCV001014725.8), dbSNP rs1790120421, ClinGen allele CA368928783.
Genomic context (GRCh38, chr7:103,723,172, plus strand): 5'-ATCGTTATAACTGCTAAAAAACACTTACCAATGGAAAATTGGAGGACAGAAGCTGTTGTT[G>A]TATTAAGGCCTGTGGTAATCTAAAGAAAAAAGAATACATAAAAATAAGACAAGACAGAGA-3'
Protein context (NP_005036.2, residues 248-268): PRELITTGLN[Thr258Ile]TTASVLQFSI